The following is an entry in ClinVar:

ClinVar aggregate classification (germline): Benign (0 of 4 stars; one submission).

Conditions:
FARSA-related disorder. Also called: FARSA-related condition.

Allele frequency attached by ClinVar (database versions not stated): ESP Exome Variant Server 0.00031; 1000 Genomes Project 30x 0.00859; 1000 Genomes Project 0.00919.
gnomAD v4.1: 2,767 of 1,595,294 alleles (0.17%); highest among the groups gnomAD compares: Admixed American, 2.6%; 47 homozygotes.

Submission:

PreventionGenetics, part of Exact Sciences
Classification: Benign for FARSA-related condition. Last evaluated: 2019-02-28. Review status: no assertion criteria provided. Collection method: clinical testing. Allele origin: germline.
Comment: This variant is classified as benign based on ACMG/AMP sequence variant interpretation guidelines (Richards et al. 2015 PMID: 25741868, with internal and published modifications).

NM_004461.3(FARSA):c.1126G>T (p.Val376Leu)

Gene: FARSA (phenylalanyl-tRNA synthetase subunit alpha; minus strand). Cytogenetic location: 19p13.13.
Variant type: single nucleotide variant.
Coding change: c.1126G>T on transcript NM_004461.3 (MANE Select); coding-DNA position 1126, G replaced by T.
Protein change: p.Val376Leu; replaces valine 376 with leucine.
Molecular consequence: missense variant.
Genome position (GRCh38, 1-based): chr19:12,924,708, C>A on the plus strand (G>T on the coding strand, the complement: FARSA is on the minus strand). VCF-style: chr19-12924708-C-A. GRCh37 (hg19) VCF-style: chr19-13035522-C-A.
Other names: short protein forms V376L.
Identifiers: ClinVar variation 3034463 (VCV003034463.2), dbSNP rs140193183, ClinGen allele CA9235142.
Genomic context (GRCh38, chr19:12,924,708, plus strand): 5'-TGAAGAACTCCCGCAGAACGCCCATGAGGTGGCCCAAGGTGAGACCATGATCCGCCACCA[C>A]GCCCTCGATCTGGTGGAACTCAGCCAGGTGCGTGGCGTCCAGGGTCTCATTCCGGAATAC-3'
Protein context (NP_004452.1, residues 366-386): HLAEFHQIEG[Val376Leu]VADHGLTLGH